The following is an entry in ClinVar:

ClinVar aggregate classification (germline): Pathogenic (1 of 4 stars; one submission).

Conditions:
Fanconi anemia (FA). Also called: Fanconi's anemia. Identifiers: Orphanet 84, MedGen C0015625, MeSH D005199, MONDO:0019391.

Submission:

Labcorp Genetics (formerly Invitae), Labcorp
Classification: Pathogenic for Fanconi anemia. Last evaluated: 2019-06-01. Review status: criteria provided, single submitter. Criteria: Invitae Variant Classification Sherloc (09022015). Collection method: clinical testing. Allele origin: germline.
Comment: This variant is a gross deletion of the genomic region encompassing exons 1-6 of the FANCA gene, which includes the initiator codon. The 5' end of this event is unknown as it extends beyond the assayed region for this gene and therefore may encompass additional genes. The 3' boundary is likely confined to intron 6 of the FANCA gene. This is expected to result in an absent or disrupted protein product. This variant has been observed in several individuals affected with Fanconi anemia (PMID: 29098742). Loss-of-function variants in FANCA are known to be pathogenic (PMID: 19367192). For these reasons, this variant has been classified as Pathogenic.

Literature cited by the submitters: PubMed 29098742.

NC_000016.10:g.(?_89808284)_(89816625_?)del

Gene: FANCA (FA complementation group A; minus strand). Cytogenetic location: 16q24.3.
Variant type: Deletion.
Identifiers: ClinVar variation 831124 (VCV000831124.1).